The following is an entry in ClinVar:

NM_007317.3(KIF22):c.675C>G (p.Phe225Leu)

Gene: KIF22 (kinesin family member 22; plus strand). Cytogenetic location: 16p11.2.
Variant type: single nucleotide variant.
Coding change: c.675C>G on transcript NM_007317.3 (MANE Select); coding-DNA position 675, C replaced by G.
Protein change: p.Phe225Leu; replaces phenylalanine 225 with leucine.
Molecular consequence: missense variant.
Genome position (GRCh38, 1-based): chr16:29,799,100, C>G. VCF-style: chr16-29799100-C-G. GRCh37 (hg19) VCF-style: chr16-29810421-C-G.
Other names: c.471C>G, p.Phe157Leu (NM_001256269.2, NM_001256270.1); short protein forms F157L, F225L.
Identifiers: ClinVar variation 4981416 (VCV004981416.1).
Genomic context (GRCh38, chr16:29,799,100, plus strand): 5'-CCTGATTCCGGGTCTCTCCCAGAAGCCCATCAGTAGCTTTGCTGATTTTGAGCGGCACTT[C>G]CTGCCAGCCAGTCGAAATCGGACTGTAGGAGCCACCCGGCTCAACCAGCGCTCCTCCCGC-3'
Protein context (NP_015556.1, residues 215-235): ISSFADFERH[Phe225Leu]LPASRNRTVG

ClinVar aggregate classification (germline): Uncertain significance (1 of 4 stars; one submission).

Conditions:
KIF22-related disorder. Also called: KIF22-related condition.

gnomAD v4.1: 1 of 1,614,052 alleles (0.000062%); highest among the groups gnomAD compares: Admixed American, 0.0017%; no homozygotes.

Submission:

PreventionGenetics, part of Exact Sciences
Classification: Uncertain significance for KIF22-related condition. Last evaluated: 2025-05-01. Review status: criteria provided, single submitter. Criteria: ACMG Guidelines, 2015. Collection method: clinical testing. Allele origin: germline.
Comment: The KIF22 c.675C>G variant is predicted to result in the amino acid substitution p.Phe225Leu. To our knowledge, this variant has not been reported in the literature or in a large population database (gnomAD), indicating this variant is rare. At this time, the clinical significance of this variant is uncertain due to the absence of conclusive functional and genetic evidence.